The following is an entry in ClinVar:

ClinVar aggregate classification (germline): Uncertain significance. Review status: criteria provided, multiple submitters, no conflicts (2 of 4 stars). 5 submissions from 5 submitters: Uncertain significance (5). Last evaluated 2025-11-06.

Conditions:
Hereditary cancer-predisposing syndrome. Also called: Hereditary neoplastic syndrome; Tumor predisposition; Neoplastic Syndromes, Hereditary; Hereditary Cancer Syndrome. Identifiers: Orphanet 140162, MedGen C0027672, MeSH D009386, MONDO:0015356.
Familial cancer of breast. Also called: Hereditary breast cancer; BREAST CANCER, FAMILIAL; hereditary breast carcinoma. Identifiers: Orphanet 227535, MedGen C0346153, MONDO:0016419, OMIM 114480. Disease mechanism: loss of function.

Allele frequency attached by ClinVar (database versions not stated): gnomAD exomes below 0.00001.
gnomAD v4.1: 1 of 1,613,854 alleles (0.000062%); highest among the groups gnomAD compares: Admixed American, 0.0017%; no homozygotes.

Submissions (5):

Labcorp Genetics (formerly Invitae), Labcorp
Classification: Uncertain significance for Familial cancer of breast. Last evaluated: 2025-11-06. Review status: criteria provided, single submitter. Criteria: Invitae Variant Classification Sherloc (09022015). Collection method: clinical testing. Allele origin: germline.
Comment: This sequence change replaces cysteine, which is neutral and slightly polar, with serine, which is neutral and polar, at codon 469 of the BARD1 protein (p.Cys469Ser). This variant is present in population databases (no rsID available, gnomAD 0.003%). This missense change has been observed in individual(s) with endometrial cancer (PMID: 27443514). ClinVar contains an entry for this variant (Variation ID: 418059). An algorithm developed to predict the effect of missense changes on protein structure and function (PolyPhen-2) suggests that this variant is likely to be disruptive. In summary, the available evidence is currently insufficient to determine the role of this variant in disease. Therefore, it has been classified as a Variant of Uncertain Significance.

Quest Diagnostics Nichols Institute San Juan Capistrano
Classification: Uncertain significance. Last evaluated: 2025-06-10. Review status: criteria provided, single submitter. Criteria: Quest Diagnostics criteria. Collection method: clinical testing. Allele origin: unknown.
Comment: The BARD1 c.1406G>C (p.Cys469Ser) variant has been reported in the published literature in individuals with endometrial carcinoma (PMID: 27443514 (2016)), and prostate tumor (PMID: 36922933 (2022)). The frequency of this variant in the general population (Genome Aggregation Database) is uninformative in the assessment of its pathogenicity. Analysis of this variant using bioinformatics tools for the prediction of the effect of amino acid changes on protein structure and function yielded predictions that this variant is damaging. Based on the available information, we are unable to determine the clinical significance of this variant.

Ambry Genetics
Classification: Uncertain significance for Hereditary cancer-predisposing syndrome. Last evaluated: 2024-07-11. Review status: criteria provided, single submitter. Criteria: Ambry Variant Classification Scheme 2023. Collection method: clinical testing. Allele origin: germline.
Comment: The p.C469S variant (also known as c.1406G>C), located in coding exon 6 of the BARD1 gene, results from a G to C substitution at nucleotide position 1406. The cysteine at codon 469 is replaced by serine, an amino acid with dissimilar properties. This amino acid position is highly conserved in available vertebrate species. In addition, this alteration is predicted to be deleterious by in silico analysis. Since supporting evidence is limited at this time, the clinical significance of this alteration remains unclear.

Color Diagnostics, LLC DBA Color Health
Classification: Uncertain significance for Hereditary cancer-predisposing syndrome. Last evaluated: 2024-05-13. Review status: criteria provided, single submitter. Criteria: ACMG Guidelines, 2015. Collection method: clinical testing. Allele origin: germline.
Comment: This missense variant replaces cysteine with serine at codon 469 of the BARD1 protein. Computational prediction is inconclusive regarding the impact of this variant on protein structure and function. To our knowledge, functional studies have not been reported for this variant. This variant has not been reported in individuals affected with BARD1-related disorders in the literature. This variant has been identified in 1/251162 chromosomes in the general population by the Genome Aggregation Database (gnomAD). The available evidence is insufficient to determine the role of this variant in disease conclusively. Therefore, this variant is classified as a Variant of Uncertain Significance.

GeneDx
Classification: Uncertain significance. Last evaluated: 2014-11-12. Review status: criteria provided, single submitter. Criteria: GeneDx Variant Classification (06012015). Collection method: clinical testing. Allele origin: germline. Affected: yes.
Comment: This variant is denoted BARD1 c.1406G>C at the cDNA level, p.Cys469Ser (C469S) at the protein level, and results in the change of a Cysteine to a Serine (TGC>TCC). This variant has not, to our knowledge, been published in the literature as pathogenic or benign. BARD1 Cys469Ser was not observed in approximately 6,500 individuals of European and African American ancestry in the NHLBI Exome Sequencing Project, indicating it is not a common benign variant in these populations. Since Cysteine and Serine differ in polarity, charge, size or other properties, this is considered a non-conservative amino acid substitution. BARD1 Cys469Ser occurs at a position that is highly conserved across species and is located in the ANK2 repeat region (Uniprot). In silico analyses predict that this variant is probably damaging to protein structure and function. Based on currently available information, it is unclear whether BARD1 Cys469Ser is pathogenic or benign. We consider it to be a variant of uncertain significance.

Literature cited by the submitters: PubMed 27443514 (cited by Labcorp Genetics (formerly Invitae), Labcorp and Quest Diagnostics Nichols Institute San Juan Capistrano); PubMed 36922933 (cited by Quest Diagnostics Nichols Institute San Juan Capistrano).

NM_000465.4(BARD1):c.1406G>C (p.Cys469Ser)

Gene: BARD1 (BRCA1 associated RING domain 1; minus strand). Cytogenetic location: 2q35.
Variant type: single nucleotide variant.
Coding change: c.1406G>C on transcript NM_000465.4 (MANE Select); coding-DNA position 1406, G replaced by C.
Protein change: p.Cys469Ser; replaces cysteine 469 with serine.
Molecular consequence: missense variant. On other transcripts: non-coding transcript variant (3), intron variant (3).
Genome position (GRCh38, 1-based): chr2:214,767,644, C>G on the plus strand (G>C on the coding strand, the complement: BARD1 is on the minus strand). VCF-style: chr2-214767644-C-G. GRCh37 (hg19) VCF-style: chr2-215632368-C-G.
Other names: c.1349G>C, p.Cys450Ser (NM_001282543.2); c.159-15089G>C (NM_001282548.2); c.216-15089G>C (NM_001282545.2); c.364+24653G>C (NM_001282549.2); short protein forms C469S, C450S.
Identifiers: ClinVar variation 418059 (VCV000418059.23), dbSNP rs587782040, ClinGen allele CA16617437.